The following is an entry in ClinVar:

ClinVar aggregate classification (germline): Pathogenic (1 of 4 stars; one submission).

Conditions:
Familial adenomatous polyposis 1 (FAP1). Also called: FAMILIAL ADENOMATOUS POLYPOSIS 1, ATTENUATED; POLYPOSIS, ADENOMATOUS INTESTINAL. Identifiers: MedGen C2713442, MONDO:0021056, OMIM 175100. Disease mechanism: loss of function.

Submission:

Myriad Genetics, Inc.
Classification: Pathogenic for Familial adenomatous polyposis 1. Last evaluated: 2023-05-11. Review status: criteria provided, single submitter. Criteria: Myriad Autosomal Dominant, Autosomal Recessive and X-Linked Classification Criteria (2023). Collection method: clinical testing. Allele origin: unknown.
Comment: This variant is considered pathogenic. This variant creates a frameshift predicted to result in premature protein truncation.

NM_000038.6(APC):c.4687del (p.Leu1563fs)

Gene: APC (APC regulator of Wnt signaling pathway; plus strand). Cytogenetic location: 5q22.2.
Variant type: Deletion.
Coding change: c.4687del on transcript NM_000038.6 (MANE Select); coding-DNA position 4687, one base deleted (C; older notation c.4687delC).
Protein change: p.Leu1563fs; shifts the reading frame from leucine 1563.
Molecular consequence: frameshift variant. On other transcripts: non-coding transcript variant (2).
Genome position (GRCh38, 1-based): chr5:112,840,281, C deleted; the last of 2 consecutive C bases (chr5:112,840,280-112,840,281); deleting either gives the same sequence. VCF-style (leftmost placement, unchanged base first): chr5-112840279-AC-A. GRCh37 (hg19) VCF-style: chr5-112175976-AC-A.
Other names: c.4687del, p.Leu1563fs (NM_001127510.3, NM_001354895.2, NM_001407450.1); c.4633del, p.Leu1545fs (NM_001127511.3); c.4741del, p.Leu1581fs (NM_001354896.2, NM_001407447.1, NM_001407448.1 and 1 more transcripts); c.4717del, p.Leu1573fs (NM_001354897.2); c.4612del, p.Leu1538fs (NM_001354898.2); c.4603del, p.Leu1535fs (NM_001354899.2); c.4564del, p.Leu1522fs (NM_001354900.2); c.4510del, p.Leu1504fs (NM_001354901.2, NM_001407453.1); and 11 more; short protein forms L1179fs, L1280fs, L1403fs, L1434fs, L1437fs, L1462fs, L1472fs, L1480fs.
Identifiers: ClinVar variation 2583924 (VCV002583924.2), dbSNP rs2533592389, ClinGen allele CA2582341341.